The following is an entry in ClinVar:

NM_170606.3(KMT2C):c.6841C>T (p.Pro2281Ser)

Gene: KMT2C (lysine methyltransferase 2C; minus strand). Cytogenetic location: 7q36.1.
Variant type: single nucleotide variant.
Coding change: c.6841C>T on transcript NM_170606.3 (MANE Select); coding-DNA position 6841, C replaced by T.
Protein change: p.Pro2281Ser; replaces proline 2281 with serine.
Molecular consequence: missense variant.
Genome position (GRCh38, 1-based): chr7:152,181,019, G>A on the plus strand (C>T on the coding strand, the complement: KMT2C is on the minus strand). VCF-style: chr7-152181019-G-A. GRCh37 (hg19) VCF-style: chr7-151878104-G-A.
Other names: short protein forms P2281S.
Identifiers: ClinVar variation 1690549 (VCV001690549.2), dbSNP rs1488391618, ClinGen allele CA370091469.

ClinVar aggregate classification (germline): Uncertain significance (1 of 4 stars; one submission).

Allele frequency attached by ClinVar (database versions not stated): gnomAD exomes below 0.00001.
gnomAD v4.1: 1 of 1,614,206 alleles (0.000062%); highest among the groups gnomAD compares: African/African-American, 0.0013%; no homozygotes.

Submission:

Laboratorio de Genetica e Diagnostico Molecular, Hospital Israelita Albert Einstein
Classification: Uncertain significance. Last evaluated: 2022-01-13. Review status: criteria provided, single submitter. Criteria: ACMG Guidelines, 2015. Collection method: clinical testing. Allele origin: germline. Affected: yes.
Comment: ACMG classification criteria: BP4